The following is an entry in ClinVar:

ClinVar aggregate classification (germline): Uncertain significance (1 of 4 stars; one submission).

Conditions:
Inborn genetic diseases. Identifiers: MedGen C0950123, MeSH D030342.

Allele frequency attached by ClinVar (database versions not stated): ExAC 0.00001; gnomAD exomes 0.00001; TOPMed 0.00011; gnomAD 0.00009.
gnomAD v4.1: 27 of 1,614,104 alleles (0.0017%); highest among the groups gnomAD compares: African/African-American, 0.036%; no homozygotes.

Submission:

Ambry Genetics
Classification: Uncertain significance for Inborn genetic diseases. Last evaluated: 2025-11-19. Review status: criteria provided, single submitter. Criteria: Ambry Variant Classification Scheme 2023. Collection method: clinical testing. Allele origin: germline.
Comment: The c.171T>A (p.H57Q) alteration is located in exon 4 (coding exon 2) of the THRB gene. This alteration results from a T to A substitution at nucleotide position 171, causing the histidine (H) at amino acid position 57 to be replaced by a glutamine (Q). Based on data from gnomAD, the A allele has an overall frequency of 0.003% (7/282784) total alleles studied. The highest observed frequency was 0.028% (7/24970) of African alleles. Based on insufficient or conflicting evidence, the clinical significance of this alteration remains unclear.

NM_001354712.2(THRB):c.171T>A (p.His57Gln)

Gene: THRB (thyroid hormone receptor beta; minus strand). Cytogenetic location: 3p24.2.
Variant type: single nucleotide variant.
Coding change: c.171T>A on transcript NM_001354712.2 (MANE Select); coding-DNA position 171, T replaced by A.
Protein change: p.His57Gln; replaces histidine 57 with glutamine.
Molecular consequence: missense variant.
Genome position (GRCh38, 1-based): chr3:24,190,186, A>T on the plus strand (T>A on the coding strand, the complement: THRB is on the minus strand). VCF-style: chr3-24190186-A-T. GRCh37 (hg19) VCF-style: chr3-24231677-A-T.
Other names: c.171T>A, p.His57Gln (NM_001128177.2, NM_001252634.2, NM_001354708.2 and 12 more transcripts); c.78T>A, p.His26Gln (NM_001354714.2, NM_001354715.2); short protein forms H57Q, H26Q.
Identifiers: ClinVar variation 2341254 (VCV002341254.3), dbSNP rs749708494, ClinGen allele CA2287423.